The following is an entry in ClinVar:

NC_000010.10:g.(?_14953179)_(14961841_?)del

Gene: DCLRE1C (DNA cross-link repair 1C; minus strand). Cytogenetic location: 10p13.
Variant type: Deletion.
Identifiers: ClinVar variation 1070011 (VCV001070011.6).

ClinVar aggregate classification (germline): Pathogenic (1 of 4 stars; one submission).

Conditions:
Severe combined immunodeficiency due to DCLRE1C deficiency (RS-SCID). Also called: SCID, AUTOSOMAL RECESSIVE, T CELL-NEGATIVE, B CELL-NEGATIVE, NK CELL-POSITIVE, WITH SENSITIVITY TO IONIZING RADIATION. Identifiers: Orphanet 275, MedGen C1865371, MONDO:0011225, OMIM 602450.

Submission:

Labcorp Genetics (formerly Invitae), Labcorp
Classification: Pathogenic for Athabaskan severe combined immunodeficiency. Last evaluated: 2021-08-04. Review status: criteria provided, single submitter. Criteria: Invitae Variant Classification Sherloc (09022015). Collection method: clinical testing. Allele origin: germline.
Comment: This variant is a gross deletion of the genomic region encompassing exon(s) 13 of the DCLRE1C gene. While this deletion is not anticipated to lead to nonsense mediated decay, it is expected to disrupt the C-terminus of the protein. This variant has not been reported in the literature in individuals affected with DCLRE1C-related conditions. This variant disrupts a region of the DCLRE1C protein in which other variant(s) (p.Asp451Lysfs*11) have been determined to be pathogenic (PMID: 12569164, 19953608, 21147755, 25917813). This suggests that this is a clinically significant region of the protein, and that variants that disrupt it are likely to be disease-causing. For these reasons, this variant has been classified as Pathogenic.

Literature cited by the submitters: PubMed 12569164; PubMed 19953608; PubMed 21147755; PubMed 25917813.